The following is an entry in ClinVar:

NM_001605.3(AARS1):c.2396G>T (p.Gly799Val)

Gene: AARS1 (alanyl-tRNA synthetase 1; minus strand). Cytogenetic location: 16q22.1.
Variant type: single nucleotide variant.
Coding change: c.2396G>T on transcript NM_001605.3 (MANE Select); coding-DNA position 2396, G replaced by T.
Protein change: p.Gly799Val; replaces glycine 799 with valine.
Molecular consequence: missense variant.
Genome position (GRCh38, 1-based): chr16:70,254,625, C>A on the plus strand (G>T on the coding strand, the complement: AARS1 is on the minus strand). VCF-style: chr16-70254625-C-A. GRCh37 (hg19) VCF-style: chr16-70288528-C-A.
Other names: c.2396G>T (NM_001605.2); short protein forms G799V.
Identifiers: ClinVar variation 1682132 (VCV001682132.10), dbSNP rs1959931902, ClinGen allele CA396555582.

ClinVar aggregate classification (germline): Uncertain significance. Review status: criteria provided, multiple submitters, no conflicts (2 of 4 stars). 2 submissions from 2 submitters: Uncertain significance (2). Last evaluated 2025-05-11.

Conditions:
Inborn genetic diseases. Identifiers: MedGen C0950123, MeSH D030342.
Charcot-Marie-Tooth disease type 2. Also called: Charcot-Marie-Tooth type 2. Identifiers: Orphanet 64746, MedGen C0270914, MONDO:0018993.

Allele frequency attached by ClinVar (database versions not stated): gnomAD 0.00001; TOPMed 0.00001.
gnomAD v4.1: 2 of 1,613,068 alleles (0.00012%); highest among the groups gnomAD compares: Non-Finnish European, 0.000085%; no homozygotes.

Submissions (2):

Labcorp Genetics (formerly Invitae), Labcorp
Classification: Uncertain significance for Charcot-Marie-Tooth disease type 2. Last evaluated: 2025-05-11. Review status: criteria provided, single submitter. Criteria: Invitae Variant Classification Sherloc (09022015). Collection method: clinical testing. Allele origin: germline.
Comment: This sequence change replaces glycine, which is neutral and non-polar, with valine, which is neutral and non-polar, at codon 799 of the AARS protein (p.Gly799Val). This variant is not present in population databases (gnomAD no frequency). This variant has not been reported in the literature in individuals affected with AARS-related conditions. ClinVar contains an entry for this variant (Variation ID: 1682132). Invitae Evidence Modeling of protein sequence and biophysical properties (such as structural, functional, and spatial information, amino acid conservation, physicochemical variation, residue mobility, and thermodynamic stability) indicates that this missense variant is not expected to disrupt AARS protein function with a negative predictive value of 95%. In summary, the available evidence is currently insufficient to determine the role of this variant in disease. Therefore, it has been classified as a Variant of Uncertain Significance.

Ambry Genetics
Classification: Uncertain significance for Inborn genetic diseases. Last evaluated: 2023-05-16. Review status: criteria provided, single submitter. Criteria: Ambry Variant Classification Scheme 2023. Collection method: clinical testing. Allele origin: germline.